The following is an entry in ClinVar:

ClinVar aggregate classification (germline): Uncertain significance (1 of 4 stars; one submission).

Submission:

Labcorp Genetics (formerly Invitae), Labcorp
Classification: Uncertain significance. Last evaluated: 2025-08-01. Review status: criteria provided, single submitter. Criteria: Invitae Variant Classification Sherloc (09022015). Collection method: clinical testing. Allele origin: germline.
Comment: This variant, c.315_338dup, results in the insertion of 8 amino acid(s) of the DIAPH3 protein (p.Asn112_Phe113insLeuProLeuGluMetMetGluAsn), but otherwise preserves the integrity of the reading frame. This variant is present in population databases (rs773673157, gnomAD 0.004%). This variant has not been reported in the literature in individuals affected with DIAPH3-related conditions. In summary, the available evidence is currently insufficient to determine the role of this variant in disease. Therefore, it has been classified as a Variant of Uncertain Significance.

NM_001042517.2(DIAPH3):c.315_338dup (p.Asn112_Phe113insLeuProLeuGluMetMetGluAsn)

Gene: DIAPH3 (diaphanous related formin 3; minus strand). Cytogenetic location: 13q21.2.
Variant type: Duplication.
Coding change: c.315_338dup on transcript NM_001042517.2 (MANE Select); coding-DNA positions 315 to 338, 24 bases duplicated (ACCTTTAGAGATGATGGAGAACTT).
Protein change: p.Asn112_Phe113insLeuProLeuGluMetMetGluAsn.
Molecular consequence: inframe insertion. On other transcripts: intron variant (1).
Genome position (GRCh38, 1-based): chr13:60,112,062-60,112,085, AAGTTCTCCATCATCTCTAAAGGT duplicated on the plus strand (ACCTTTAGAGATGATGGAGAACTT on the coding strand, the reverse complement: DIAPH3 is on the minus strand). VCF-style (leftmost placement, unchanged base first): chr13-60112061-A-AAAGTTCTCCATCATCTCTAAAGGT. GRCh37 (hg19) VCF-style: chr13-60686195-A-AAAGTTCTCCATCATCTCTAAAGGT.
Other names: c.282_305dup, p.Asn101_Phe102insLeuProLeuGluMetMetGluAsn (NM_001258366.2, NM_001258367.2); c.315_338dup, p.Asn112_Phe113insLeuProLeuGluMetMetGluAsn (NM_001258369.2); c.181-18353_181-18330dup (NM_001258368.2).
Identifiers: ClinVar variation 4802705 (VCV004802705.1).